The following is an entry in ClinVar:

NM_002468.5(MYD88):c.752G>A (p.Arg251Gln)

Gene: MYD88 (MYD88 innate immune signal transduction adaptor; plus strand). Cytogenetic location: 3p22.2.
Variant type: single nucleotide variant.
Coding change: c.752G>A on transcript NM_002468.5 (MANE Select); coding-DNA position 752, G replaced by A.
Protein change: p.Arg251Gln; replaces arginine 251 with glutamine.
Molecular consequence: missense variant.
Genome position (GRCh38, 1-based): chr3:38,141,147, G>A. VCF-style: chr3-38141147-G-A. GRCh37 (hg19) VCF-style: chr3-38182638-G-A.
Other names: c.436G>A, p.Asp146Asn (NM_001172566.2); c.776G>A, p.Arg259Gln (NM_001172567.2); c.617G>A, p.Arg206Gln (NM_001172568.2); c.571G>A, p.Asp191Asn (NM_001172569.3); c.733G>A, p.Asp245Asn (NM_001365876.1); c.598G>A, p.Asp200Asn (NM_001365877.1); c.709G>A, p.Asp237Asn (NM_001374787.1); short protein forms D146N, D191N, D200N, D237N, D245N, R206Q, R251Q, R259Q.
Identifiers: ClinVar variation 4809159 (VCV004809159.1).
Genomic context (GRCh38, chr3:38,141,147, plus strand): 5'-ATGGGGCAAGGGCCTGATGCCAGCATGGCACCCCTTGGCTTGCAGGTGCCCATCAGAAGC[G>A]ACTGATCCCCATCAAGTACAAGGCAATGAAGAAAGAGTTCCCCAGCATCCTGAGGTTCAT-3'
Protein context (NP_002459.3, residues 241-261): LSLSPGAHQK[Arg251Gln]LIPIKYKAMK

ClinVar aggregate classification (germline): Uncertain significance (1 of 4 stars; one submission).

Conditions:
Pyogenic bacterial infections due to MyD88 deficiency (IMD68). Also called: PYOGENIC BACTERIAL INFECTIONS, RECURRENT, DUE TO MYD88 DEFICIENCY. Identifiers: Orphanet 183713, MedGen C2677092, MONDO:0012839, OMIM 612260.

Submission:

Labcorp Genetics (formerly Invitae), Labcorp
Classification: Uncertain significance for Pyogenic bacterial infections due to MyD88 deficiency. Last evaluated: 2026-01-15. Review status: criteria provided, single submitter. Criteria: Invitae Variant Classification Sherloc (09022015). Collection method: clinical testing. Allele origin: germline.
Comment: This sequence change replaces arginine, which is basic and polar, with glutamine, which is neutral and polar, at codon 264 of the MYD88 protein (p.Arg264Gln). This variant is not present in population databases (gnomAD no frequency). This missense change has been observed in individual(s) with clinical features of eosinophilic esophagitis (PMID: 29669943). An algorithm developed to predict the effect of missense changes on protein structure and function (PolyPhen-2) suggests that this variant is likely to be disruptive. In summary, the available evidence is currently insufficient to determine the role of this variant in disease. Therefore, it has been classified as a Variant of Uncertain Significance.

Literature cited by the submitters: PubMed 29669943.